The following is an entry in ClinVar:

NM_001244008.2(KIF1A):c.2365T>G (p.Phe789Val)

Gene: KIF1A (kinesin family member 1A; minus strand). Cytogenetic location: 2q37.3.
Variant type: single nucleotide variant.
Coding change: c.2365T>G on transcript NM_001244008.2 (MANE Select); coding-DNA position 2365, T replaced by G.
Protein change: p.Phe789Val; replaces phenylalanine 789 with valine.
Molecular consequence: missense variant.
Genome position (GRCh38, 1-based): chr2:240,760,744, A>C on the plus strand (T>G on the coding strand, the complement: KIF1A is on the minus strand). VCF-style: chr2-240760744-A-C. GRCh37 (hg19) VCF-style: chr2-241700161-A-C.
Other names: c.2365T>G, p.Phe789Val (NM_001320705.2, NM_001330289.2, NM_001379638.1); c.2440T>G, p.Phe814Val (NM_001330290.2, NM_001379631.1, NM_001379634.1 and 2 more transcripts); c.2338T>G, p.Phe780Val (NM_001379632.1, NM_001379633.1, NM_001379636.1 and 10 more transcripts); c.2413T>G, p.Phe805Val (NM_001379637.1, NM_001379648.1); short protein forms F780V, F789V, F805V, F814V.
Identifiers: ClinVar variation 4070722 (VCV004070722.1).
Genomic context (GRCh38, chr2:240,760,744, plus strand): 5'-AGTAGTGGGTGGCCCCGTTCTTCTGGTCCTGGACCTCCACGGCCACAATGGTGCGGGGGA[A>C]GGGCCGCGTCTCTCGGTCTTTGGCGGCCTCTGGGGGCAGCAGGTCGGGTGGCAGAGGGGA-3'
Protein context (NP_001230937.1, residues 779-799): EAAKDRETRP[Phe789Val]PRTIVAVEVQ

ClinVar aggregate classification (germline): Uncertain significance (1 of 4 stars; one submission).

Submission:

GeneDx
Classification: Uncertain significance. Last evaluated: 2025-01-15. Review status: criteria provided, single submitter. Criteria: GeneDx Variant Classification Process June 2021. Collection method: clinical testing. Allele origin: germline. Affected: yes.
Comment: Not observed at significant frequency in large population cohorts (gnomAD); In silico analysis supports that this missense variant has a deleterious effect on protein structure/function; Has not been previously published as pathogenic or benign to our knowledge